The following is an entry in ClinVar:

ClinVar aggregate classification (germline): Uncertain significance. Review status: criteria provided, multiple submitters, no conflicts (2 of 4 stars). 3 submissions from 3 submitters: Uncertain significance (3). Last evaluated 2025-07-08.

Conditions:
Charcot-Marie-Tooth disease type 2. Also called: Charcot-Marie-Tooth type 2. Identifiers: Orphanet 64746, MedGen C0270914, MONDO:0018993.

Allele frequency attached by ClinVar (database versions not stated): gnomAD exomes below 0.00001; TOPMed below 0.00001.

Submissions (3):

Labcorp Genetics (formerly Invitae), Labcorp
Classification: Uncertain significance for Charcot-Marie-Tooth disease type 2. Last evaluated: 2025-07-08. Review status: criteria provided, single submitter. Criteria: Invitae Variant Classification Sherloc (09022015). Collection method: clinical testing. Allele origin: germline.
Comment: This sequence change replaces glycine, which is neutral and non-polar, with serine, which is neutral and polar, at codon 634 of the LMNA protein (p.Gly634Ser). This variant is not present in population databases (gnomAD no frequency). This missense change has been observed in individual(s) with cardiomyopathy (PMID: 36548481). ClinVar contains an entry for this variant (Variation ID: 246274). Invitae Evidence Modeling of protein sequence and biophysical properties (such as structural, functional, and spatial information, amino acid conservation, physicochemical variation, residue mobility, and thermodynamic stability) has been performed for this missense variant. However, the output from this modeling did not meet the statistical confidence thresholds required to predict the impact of this variant on LMNA protein function. In summary, the available evidence is currently insufficient to determine the role of this variant in disease. Therefore, it has been classified as a Variant of Uncertain Significance.

GeneDx
Classification: Uncertain significance. Last evaluated: 2019-03-28. Review status: criteria provided, single submitter. Criteria: GeneDx Variant Classification Process June 2021. Collection method: clinical testing. Allele origin: germline. Affected: yes.
Comment: Not observed in large population cohorts (Lek et al., 2016); In silico analysis, which includes protein predictors and evolutionary conservation, supports that this variant does not alter protein structure/function; Has not been previously published as pathogenic or benign to our knowledge

Stanford Center for Inherited Cardiovascular Disease, Stanford University
Classification: Uncertain significance. Last evaluated: 2016-03-21. Review status: criteria provided, single submitter. Criteria: ACMG Guidelines, 2015. Collection method: provider interpretation. Allele origin: germline.

Literature cited by the submitters: PubMed 36548481 (cited by Labcorp Genetics (formerly Invitae), Labcorp).

NM_170707.4(LMNA):c.1900G>A (p.Gly634Ser)

Gene: LMNA (lamin A/C; plus strand). Cytogenetic location: 1q22.
Variant type: single nucleotide variant.
Coding change: c.1900G>A on transcript NM_170707.4 (MANE Select); coding-DNA position 1900, G replaced by A.
Protein change: p.Gly634Ser; replaces glycine 634 with serine.
Molecular consequence: missense variant. On other transcripts: intron variant (1).
Genome position (GRCh38, 1-based): chr1:156,138,689, G>A. VCF-style: chr1-156138689-G-A. GRCh37 (hg19) VCF-style: chr1-156108480-G-A.
Other names: c.1564G>A, p.Gly522Ser (NM_001257374.3); c.1810G>A, p.Gly604Ser (NM_170708.4); c.1818+82G>A (NM_001282626.2); short protein forms G604S, G634S, G522S.
Identifiers: ClinVar variation 246274 (VCV000246274.14), dbSNP rs879254188, ClinGen allele CA10584136.